The following is an entry in ClinVar:

ClinVar aggregate classification (germline): Conflicting classifications of pathogenicity. Review status: criteria provided, conflicting classifications (1 of 4 stars). 4 submissions from 4 submitters: Likely pathogenic (1); Uncertain significance (3). Last evaluated 2026-07-23.

Conditions:
ABCC6-related disorder. Also called: ABCC6-related condition.
Arterial calcification, generalized, of infancy, 2. Identifiers: Orphanet 51608, MedGen C3276161, MONDO:0013768, OMIM 614473.
Autosomal recessive inherited pseudoxanthoma elasticum (PXE). Identifiers: Orphanet 758, MedGen CN032334, MONDO:0009925, OMIM 264800.
Pseudoxanthoma elasticum, forme fruste. Also called: Pseudoxanthoma Elasticum, Incomplete; PSEUDOXANTHOMA ELASTICUM, HETEROZYGOUS. Identifiers: Orphanet 758, MedGen C1867450, MONDO:0008333, OMIM 177850.

Allele frequency attached by ClinVar (database versions not stated): gnomAD 0.00001; gnomAD exomes 0.00001 and 0.00003; TOPMed 0.00003.
gnomAD v4.1: 42 of 1,612,868 alleles (0.0026%); highest among the groups gnomAD compares: Non-Finnish European, 0.0032%; no homozygotes.

Submissions (4):

PreventionGenetics, part of Exact Sciences
Classification: Uncertain significance for ABCC6-related condition. Last evaluated: 2026-07-23. Review status: criteria provided, single submitter. Criteria: ACMG Guidelines, 2015. Collection method: clinical testing. Allele origin: germline.
Comment: The ABCC6 c.2096A>G variant is predicted to result in the amino acid substitution p.Glu699Gly. This variant has been reported in the compound heterozygous state in an individual with pseudoxanthoma elasticum (PXE) (Table S1, Saeidian et al. 2022. PubMed ID: 34906475). This variant is reported in 2 of ~251,000 alleles in gnomAD. Alternate nucleotide changes affecting the same amino acid (p.Glu699Asp and p.Glu699Lys) have been reported in individuals with PXE; however, in vitro experimental studies were inconclusive (Pfendner et al. 2007. PubMed ID: 17617515; Ran et al. 2018. PubMed ID: 30154241; Boraldi et al. 2021. PubMed ID: 34205333; Table S1, Saeidian et al. 2022. PubMed ID: 34906475). Although we suspect that this variant may be pathogenic, at this time, the clinical significance of this variant is uncertain due to the absence of conclusive functional and genetic evidence.

Fulgent Genetics
Classification: Likely pathogenic for Pseudoxanthoma elasticum, forme fruste; Autosomal recessive inherited pseudoxanthoma elasticum; Arterial calcification, generalized, of infancy, 2. Last evaluated: 2024-03-25. Review status: criteria provided, single submitter. Criteria: ACMG Guidelines, 2015. Collection method: clinical testing. Allele origin: germline.

Blueprint Genetics
Classification: Uncertain significance. Last evaluated: 2024-01-24. Review status: criteria provided, single submitter. Criteria: ACMG Guidelines, 2015. Collection method: clinical testing. Allele origin: germline.

Labcorp Genetics (formerly Invitae), Labcorp
Classification: Uncertain significance. Last evaluated: 2023-10-03. Review status: criteria provided, single submitter. Criteria: Invitae Variant Classification Sherloc (09022015). Collection method: clinical testing. Allele origin: germline.
Comment: This sequence change replaces glutamic acid, which is acidic and polar, with glycine, which is neutral and non-polar, at codon 699 of the ABCC6 protein (p.Glu699Gly). This variant is present in population databases (no rsID available, gnomAD 0.002%). This variant has not been reported in the literature in individuals affected with ABCC6-related conditions. ClinVar contains an entry for this variant (Variation ID: 1445010). Advanced modeling of protein sequence and biophysical properties (such as structural, functional, and spatial information, amino acid conservation, physicochemical variation, residue mobility, and thermodynamic stability) has been performed at Invitae for this missense variant, however the output from this modeling did not meet the statistical confidence thresholds required to predict the impact of this variant on ABCC6 protein function. In summary, the available evidence is currently insufficient to determine the role of this variant in disease. Therefore, it has been classified as a Variant of Uncertain Significance.

NM_001171.6(ABCC6):c.2096A>G (p.Glu699Gly)

Gene: ABCC6 (ATP binding cassette subfamily C member 6; minus strand). Cytogenetic location: 16p13.11.
Variant type: single nucleotide variant.
Coding change: c.2096A>G on transcript NM_001171.6 (MANE Select); coding-DNA position 2096, A replaced by G.
Protein change: p.Glu699Gly; replaces glutamic acid 699 with glycine.
Molecular consequence: missense variant. On other transcripts: non-coding transcript variant (1).
Genome position (GRCh38, 1-based): chr16:16,182,563, T>C on the plus strand (A>G on the coding strand, the complement: ABCC6 is on the minus strand). VCF-style: chr16-16182563-T-C. GRCh37 (hg19) VCF-style: chr16-16276420-T-C.
Other names: c.1754A>G, p.Glu585Gly (NM_001351800.1); c.2096A>G (NM_001171.5); short protein forms E585G, E699G.
Identifiers: ClinVar variation 1445010 (VCV001445010.8), dbSNP rs1252723064, ClinGen allele CA394888540.